The following is an entry in ClinVar:

NM_000260.4(MYO7A):c.5259G>A (p.Lys1753=)

Gene: MYO7A (myosin VIIA; plus strand). Cytogenetic location: 11q13.5.
Variant type: single nucleotide variant.
Coding change: c.5259G>A on transcript NM_000260.4 (MANE Select); coding-DNA position 5259, G replaced by A.
Protein change: p.Lys1753=; no amino-acid change (lysine 1753 retained).
Molecular consequence: synonymous variant.
Genome position (GRCh38, 1-based): chr11:77,203,150, G>A. VCF-style: chr11-77203150-G-A. GRCh37 (hg19) VCF-style: chr11-76914195-G-A.
Other names: c.5145G>A, p.Lys1715= (NM_001127180.2); c.5112G>A, p.Lys1704= (NM_001369365.1).
Identifiers: ClinVar variation 43277 (VCV000043277.29), dbSNP rs370062187, ClinGen allele CA132379.
Genomic context (GRCh38, chr11:77,203,150, plus strand): 5'-CATGGTGTCCAAGGCCCGAGGCAAGGACCGGCTGTGGAGCCACACGCGGGAACCGCTCAA[G>A]CAGGCGCTGCTCAAGAAGCTCCTGGGCAGTGAGGAGCTCTCGCAGGAGGCCTGCCTGGCC-3'
Protein context (NP_000251.3, residues 1743-1763): RLWSHTREPL[Lys1753=]QALLKKLLGS

ClinVar aggregate classification (germline): Likely benign. Review status: criteria provided, multiple submitters, no conflicts (2 of 4 stars). 7 submissions from 7 submitters: Likely benign (6). 1 of the submissions does not count toward it. Last evaluated 2026-02-01.

Conditions:
MYO7A-related disorder. Also called: MYO7A-related disorders.

Allele frequency attached by ClinVar (database versions not stated): gnomAD exomes 0.00007 and 0.00019; 1000 Genomes Project 0.00060; 1000 Genomes Project 30x 0.00062; ExAC 0.00066; gnomAD 0.00088 and 0.00096; ESP Exome Variant Server 0.00091; TOPMed 0.00096.
gnomAD v4.1: 233 of 1,551,074 alleles (0.015%); highest among the groups gnomAD compares: African/African-American, 0.29%; 1 homozygote.

Submissions (7):

Labcorp Genetics (formerly Invitae), Labcorp
Classification: Likely benign. Last evaluated: 2026-02-01. Review status: criteria provided, single submitter. Criteria: Invitae Variant Classification Sherloc (09022015). Collection method: clinical testing. Allele origin: germline.

CeGaT Center for Human Genetics Tuebingen
Classification: Likely benign. Last evaluated: 2025-06-01. Review status: criteria provided, single submitter. Criteria: CeGaT Center For Human Genetics Tuebingen Variant Classification Criteria Version 2. Collection method: clinical testing. Allele origin: germline. Affected: yes. Observed: 1 variant allele.
Comment: MYO7A: BP4

Blueprint Genetics
Classification: Likely benign. Last evaluated: 2024-11-26. Review status: criteria provided, single submitter. Criteria: ACMG Guidelines, 2015. Collection method: clinical testing. Allele origin: germline.

GeneDx
Classification: Likely benign. Last evaluated: 2021-02-16. Review status: criteria provided, single submitter. Criteria: GeneDx Variant Classification Process June 2021. Collection method: clinical testing. Allele origin: germline. Affected: yes.

Athena Diagnostics
Classification: Likely benign. Last evaluated: 2018-05-29. Review status: criteria provided, single submitter. Criteria: Athena Diagnostics Criteria. Collection method: clinical testing. Allele origin: germline.

Laboratory for Molecular Medicine, Mass General Brigham Personalized Medicine
Classification: Likely benign. Last evaluated: 2012-03-26. Review status: criteria provided, single submitter. Criteria: LMM Criteria. Collection method: clinical testing. Allele origin: germline. Observed: 1 variant allele.
Comment: Lys1753Lys in exon 38 of MYO7A: This variant is not expected to have clinical si gnificance because it does not alter an amino acid residue, is not located withi n the splice consensus sequence, and has been identified in 0.25% (8/3248) of Af rican American chromosomes in a broad population by the NHLBI Exome sequencing p roject.

PreventionGenetics, part of Exact Sciences
Classification: Likely benign for MYO7A-related condition. Last evaluated: 2019-12-02. Review status: no assertion criteria provided. Collection method: clinical testing. Allele origin: germline. Not counted in ClinVar's aggregate classification.
Comment: This variant is classified as likely benign based on ACMG/AMP sequence variant interpretation guidelines (Richards et al. 2015 PMID: 25741868, with internal and published modifications).